The following is an entry in ClinVar:

ClinVar aggregate classification (germline): Uncertain significance (1 of 4 stars; one submission).

Submission:

Labcorp Genetics (formerly Invitae), Labcorp
Classification: Uncertain significance. Last evaluated: 2025-12-15. Review status: criteria provided, single submitter. Criteria: Invitae Variant Classification Sherloc (09022015). Collection method: clinical testing. Allele origin: germline.
Comment: This sequence change replaces methionine, which is neutral and non-polar, with isoleucine, which is neutral and non-polar, at codon 1300 of the MACF1 protein (p.Met1300Ile). This variant is present in population databases (rs376860713, gnomAD 0.006%). This variant has not been reported in the literature in individuals affected with MACF1-related conditions. ClinVar contains an entry for this variant (Variation ID: 3697922). An algorithm developed to predict the effect of missense changes on protein structure and function (PolyPhen-2) suggests that this variant is likely to be tolerated. In summary, the available evidence is currently insufficient to determine the role of this variant in disease. Therefore, it has been classified as a Variant of Uncertain Significance.

NM_001394062.1(MACF1):c.3885G>A (p.Met1295Ile)

Gene: MACF1 (microtubule actin crosslinking factor 1; plus strand). Cytogenetic location: 1p34.3.
Variant type: single nucleotide variant.
Coding change: c.3885G>A on transcript NM_001394062.1 (MANE Select); coding-DNA position 3885, G replaced by A.
Protein change: p.Met1295Ile; replaces methionine 1295 with isoleucine.
Molecular consequence: missense variant.
Genome position (GRCh38, 1-based): chr1:39,318,555, G>A. VCF-style: chr1-39318555-G-A. GRCh37 (hg19) VCF-style: chr1-39784227-G-A.
Other names: c.3900G>A, p.Met1300Ile (NM_012090.5); short protein forms M1295I, M1300I.
Identifiers: ClinVar variation 3697922 (VCV003697922.2).